The following is an entry in ClinVar:

NM_001363711.2(DUOX2):c.2428G>A (p.Glu810Lys)

Gene: DUOX2 (dual oxidase 2; minus strand). Cytogenetic location: 15q21.1.
Variant type: single nucleotide variant.
Coding change: c.2428G>A on transcript NM_001363711.2 (MANE Select); coding-DNA position 2428, G replaced by A.
Protein change: p.Glu810Lys; replaces glutamic acid 810 with lysine.
Molecular consequence: missense variant.
Genome position (GRCh38, 1-based): chr15:45,104,272, C>T on the plus strand (G>A on the coding strand, the complement: DUOX2 is on the minus strand). VCF-style: chr15-45104272-C-T. GRCh37 (hg19) VCF-style: chr15-45396470-C-T.
Other names: c.2428G>A, p.Glu810Lys (NM_014080.5); short protein forms E810K.
Identifiers: ClinVar variation 2084406 (VCV002084406.5), dbSNP rs375229316, ClinGen allele CA7538252.

ClinVar aggregate classification (germline): Uncertain significance. Review status: criteria provided, multiple submitters, no conflicts (2 of 4 stars). 2 submissions from 2 submitters: Uncertain significance (2). Last evaluated 2025-07-23.

Conditions:
Thyroid dyshormonogenesis 6 (TDH6). Also called: Genetic transient congenital hypothyroidism; THYROID HORMONOGENESIS, GENETIC DEFECT IN, 6; HYPOTHYROIDISM, CONGENITAL, DUE TO DYSHORMONOGENESIS, 6. Identifiers: Orphanet 226316, Orphanet 95716, MedGen C1846632, MONDO:0011792, OMIM 607200.

Allele frequency attached by ClinVar (database versions not stated): TOPMed below 0.00001; gnomAD 0.00001; ExAC 0.00003; ESP Exome Variant Server 0.00008.
gnomAD v4.1: 29 of 1,613,964 alleles (0.0018%); highest among the groups gnomAD compares: East Asian, 0.027%; no homozygotes.

Submissions (2):

Labcorp Genetics (formerly Invitae), Labcorp
Classification: Uncertain significance. Last evaluated: 2025-07-23. Review status: criteria provided, single submitter. Criteria: Invitae Variant Classification Sherloc (09022015). Collection method: clinical testing. Allele origin: germline.
Comment: This sequence change replaces glutamic acid, which is acidic and polar, with lysine, which is basic and polar, at codon 810 of the DUOX2 protein (p.Glu810Lys). This variant is present in population databases (rs375229316, gnomAD 0.02%). This missense change has been observed in individual(s) with thyroid dyshormonogenesis (PMID: 32459320). ClinVar contains an entry for this variant (Variation ID: 2084406). Invitae Evidence Modeling of protein sequence and biophysical properties (such as structural, functional, and spatial information, amino acid conservation, physicochemical variation, residue mobility, and thermodynamic stability) indicates that this missense variant is expected to disrupt DUOX2 protein function with a positive predictive value of 80%. In summary, the available evidence is currently insufficient to determine the role of this variant in disease. Therefore, it has been classified as a Variant of Uncertain Significance.

3billion
Classification: Uncertain significance for Thyroid dyshormonogenesis 6. Last evaluated: 2023-08-11. Review status: criteria provided, single submitter. Criteria: ACMG Guidelines, 2015. Collection method: clinical testing. Allele origin: germline. Affected: yes.
Comment: The variant is observed at an extremely low frequency in the gnomAD v2.1.1 dataset (total allele frequency: 0.002%). Predicted Consequence/Location: Protein truncation variants are a common disease-causing mechanism. In silico tool predictions suggest damaging effect of the variant on gene or gene product [REVEL: 0.67 (>=0.6, sensitivity 0.68 and specificity 0.92); 3Cnet: 0.88 (>=0.6, sensitivity 0.72 and precision 0.9)]. Therefore, this variant is classified as VUS according to the recommendation of ACMG/AMP guideline.

Literature cited by the submitters: PubMed 32459320 (cited by Labcorp Genetics (formerly Invitae), Labcorp).